The following is an entry in ClinVar:

ClinVar aggregate classification (germline): Pathogenic (1 of 4 stars; one submission).

gnomAD v4.1: 14 of 1,614,080 alleles (0.00087%); highest among the groups gnomAD compares: African/African-American, 0.0053%; no homozygotes.

Submission:

Labcorp Genetics (formerly Invitae), Labcorp
Classification: Pathogenic. Last evaluated: 2025-06-20. Review status: criteria provided, single submitter. Criteria: Invitae Variant Classification Sherloc (09022015). Collection method: clinical testing. Allele origin: germline.
Comment: This sequence change creates a premature translational stop signal (p.Arg86*) in the NANS gene. It is expected to result in an absent or disrupted protein product. Loss-of-function variants in NANS are known to be pathogenic (PMID: 27213289). This variant is present in population databases (rs752343283, gnomAD 0.008%). This variant has not been reported in the literature in individuals affected with NANS-related conditions. ClinVar contains an entry for this variant (Variation ID: 3605083). For these reasons, this variant has been classified as Pathogenic.

Literature cited by the submitters: PubMed 27213289.

NM_018946.4(NANS):c.256C>T (p.Arg86Ter)

Genes: NANS (N-acetylneuraminate synthase; plus strand), TRIM14 (tripartite motif containing 14; minus strand). Cytogenetic location: 9q22.33.
Variant type: single nucleotide variant.
Coding change: c.256C>T on transcript NM_018946.4 (MANE Select); coding-DNA position 256, C replaced by T.
Protein change: p.Arg86Ter; replaces arginine 86 with a stop codon.
Molecular consequence: nonsense.
Genome position (GRCh38, 1-based): chr9:98,060,905, C>T. VCF-style: chr9-98060905-C-T. GRCh37 (hg19) VCF-style: chr9-100823187-C-T.
Other names: short protein forms R86*.
Identifiers: ClinVar variation 3605083 (VCV003605083.2).